The following is an entry in ClinVar:

ClinVar aggregate classification (germline): Uncertain significance (1 of 4 stars; one submission).

Allele frequency attached by ClinVar (database versions not stated): TOPMed below 0.00001.

Submission:

Labcorp Genetics (formerly Invitae), Labcorp
Classification: Uncertain significance. Last evaluated: 2022-07-06. Review status: criteria provided, single submitter. Criteria: Invitae Variant Classification Sherloc (09022015). Collection method: clinical testing. Allele origin: germline.
Comment: This variant has not been reported in the literature in individuals affected with C5orf42-related conditions. ClinVar contains an entry for this variant (Variation ID: 571945). Advanced modeling of protein sequence and biophysical properties (such as structural, functional, and spatial information, amino acid conservation, physicochemical variation, residue mobility, and thermodynamic stability) performed at Invitae indicates that this missense variant is not expected to disrupt C5orf42 protein function. In summary, the available evidence is currently insufficient to determine the role of this variant in disease. Therefore, it has been classified as a Variant of Uncertain Significance. This sequence change replaces histidine, which is basic and polar, with arginine, which is basic and polar, at codon 2880 of the C5orf42 protein (p.His2880Arg). This variant is not present in population databases (gnomAD no frequency).

NM_001384732.1(CPLANE1):c.8801A>G (p.His2934Arg)

Gene: CPLANE1 (ciliogenesis and planar polarity effector complex subunit 1; minus strand). Cytogenetic location: 5p13.2.
Variant type: single nucleotide variant.
Coding change: c.8801A>G on transcript NM_001384732.1 (MANE Select); coding-DNA position 8801, A replaced by G.
Protein change: p.His2934Arg; replaces histidine 2934 with arginine.
Molecular consequence: missense variant.
Genome position (GRCh38, 1-based): chr5:37,125,401, T>C on the plus strand (A>G on the coding strand, the complement: CPLANE1 is on the minus strand). VCF-style: chr5-37125401-T-C. GRCh37 (hg19) VCF-style: chr5-37125503-T-C.
Other names: c.8639A>G, p.His2880Arg (NM_023073.4); short protein forms H2880R, H2934R.
Identifiers: ClinVar variation 571945 (VCV000571945.9), dbSNP rs1014698599, ClinGen allele CA359499956.